The following is an entry in ClinVar:

ClinVar aggregate classification (germline): Uncertain significance (1 of 4 stars; one submission).

Conditions:
Amyotrophic lateral sclerosis type 21. Also called: MYOPATHY, DISTAL, 2; VOCAL CORD AND PHARYNGEAL DYSFUNCTION WITH DISTAL MYOPATHY. Identifiers: Orphanet 600, Orphanet 803, MedGen C3807521, MONDO:0011632, OMIM 606070.

gnomAD v4.1: 1 of 1,613,906 alleles (0.000062%); highest among the groups gnomAD compares: Non-Finnish European, 0.000085%; no homozygotes.

Submission:

Labcorp Genetics (formerly Invitae), Labcorp
Classification: Uncertain significance for Amyotrophic lateral sclerosis type 21. Last evaluated: 2020-05-06. Review status: criteria provided, single submitter. Criteria: Invitae Variant Classification Sherloc (09022015). Collection method: clinical testing. Allele origin: germline.
Comment: This variant has not been reported in the literature in individuals with MATR3-related conditions. This variant is not present in population databases (ExAC no frequency). This sequence change replaces lysine with asparagine at codon 711 of the MATR3 protein (p.Lys711Asn). The lysine residue is highly conserved and there is a moderate physicochemical difference between lysine and asparagine. Algorithms developed to predict the effect of missense changes on protein structure and function are either unavailable or do not agree on the potential impact of this missense change (SIFT: "Deleterious"; PolyPhen-2: "Probably Damaging"; Align-GVGD: "Class C0"). In summary, the available evidence is currently insufficient to determine the role of this variant in disease. Therefore, it has been classified as a Variant of Uncertain Significance.

NM_018834.6(MATR3):c.2133G>C (p.Lys711Asn)

Genes: MATR3 (matrin 3; plus strand), LOC126807526 (CDK7 strongly-dependent group 2 enhancer GRCh37_chr5:138657767-138658966; plus strand). Cytogenetic location: 5q31.2.
Variant type: single nucleotide variant.
Coding change: c.2133G>C on transcript NM_018834.6 (MANE Select); coding-DNA position 2133, G replaced by C.
Protein change: p.Lys711Asn; replaces lysine 711 with asparagine.
Molecular consequence: missense variant.
Genome position (GRCh38, 1-based): chr5:139,322,952, G>C. VCF-style: chr5-139322952-G-C. GRCh37 (hg19) VCF-style: chr5-138658641-G-C.
Other names: c.2133G>C, p.Lys711Asn (NM_001194954.2, NM_001194955.2, NM_199189.3); c.1269G>C, p.Lys423Asn (NM_001194956.2); c.1119G>C, p.Lys373Asn (NM_001282278.2); short protein forms K373N, K423N, K711N.
Identifiers: ClinVar variation 1060802 (VCV001060802.9), dbSNP rs2152010949, ClinGen allele CA361144997.